The following is an entry in ClinVar:

ClinVar aggregate classification (germline): Likely pathogenic (1 of 4 stars; one submission).

Conditions:
Mitochondrial disease. Also called: Mitochondrial disorders; Mitochondrial disorder. Identifiers: Orphanet 68380, MedGen C0751651, MeSH D028361, MONDO:0044970.

Submission:

Genomenon, Inc
Classification: Likely pathogenic for Mitochondrial disease. Last evaluated: 2025-11-24. Review status: criteria provided, single submitter. Criteria: Genomenon Sequence Variant Interpretation Standards - Updated. Collection method: curation. Allele origin: germline. Affected: yes.
Comment: TK2 p.Ser138Gly (c.412A>G) is a missense variant that changes the amino acid at residue 138 from Serine to Glycine. This variant has been observed in a proband affected with mitochondrial disease in the compound heterozygous state (30831263). TK2 Ser138Gly is located in a mutational hotspot and/or important functional domain. This variant is not present at a significant frequency in gnomAD, and in silico models agree that this variant is possibly or probably damaging. In conclusion, we classify TK2 p.Ser138Gly (c.412A>G) as a likely pathogenic variant.

Literature cited by the submitters: PubMed 30831263.

NM_004614.5(TK2):c.412A>G (p.Ser138Gly)

Gene: TK2 (thymidine kinase 2; minus strand). Cytogenetic location: 16q21.
Variant type: single nucleotide variant.
Coding change: c.412A>G on transcript NM_004614.5 (MANE Select); coding-DNA position 412, A replaced by G.
Protein change: p.Ser138Gly; replaces serine 138 with glycine.
Molecular consequence: missense variant. On other transcripts: non-coding transcript variant (1).
Genome position (GRCh38, 1-based): chr16:66,529,031, T>C on the plus strand (A>G on the coding strand, the complement: TK2 is on the minus strand). VCF-style: chr16-66529031-T-C. GRCh37 (hg19) VCF-style: chr16-66562934-T-C.
Other names: c.319A>G, p.Ser107Gly (NM_001172643.1, NM_001271935.1); c.337A>G, p.Ser113Gly (NM_001172644.2); c.358A>G, p.Ser120Gly (NM_001172645.2); c.265A>G, p.Ser89Gly (NM_001271934.2); c.121A>G, p.Ser41Gly (NM_001272050.2); short protein forms S107G, S113G, S120G, S138G, S41G, S89G.
Identifiers: ClinVar variation 3778859 (VCV003778859.2).
Genomic context (GRCh38, chr16:66,529,031, plus strand): 5'-ATCAACTATTCAAACTACAGTACCTTCTATACAGGTTTTCTACAAAAATGTATCTTGCGC[T>C]GTGAATCGACCTCTCCATCAACCGTACAGATGACACCTAAAGGAAAACAAAAAGAGAATC-3'
Protein context (NP_004605.4, residues 128-148): SVRLMERSIH[Ser138Gly]ARYIFVENLY